The following is an entry in ClinVar:

ClinVar aggregate classification (germline): Uncertain significance. Review status: criteria provided, multiple submitters, no conflicts (2 of 4 stars). 2 submissions from 2 submitters: Uncertain significance (2). Last evaluated 2023-05-04.

Conditions:
Hereditary breast ovarian cancer syndrome. Also called: Hereditary breast and ovarian cancer; Breast and ovarian cancer; BRCA1- and BRCA2-Associated Hereditary Breast and Ovarian Cancer; Hereditary breast and ovarian cancer syndrome (HBOC); Hereditary breast and/or ovarian cancer syndrome; Hereditary breast and ovarian cancer syndrome. Identifiers: Orphanet 145, MedGen C0677776, MeSH D061325, MONDO:0003582. Disease mechanism: loss of function.
Breast-ovarian cancer, familial, susceptibility to, 2 (BROVCA2). Also called: BRCA2 Hereditary Breast and Ovarian Cancer. Identifiers: Orphanet 145, MedGen C2675520, MONDO:0012933, OMIM 612555. Disease mechanism: loss of function.

Submissions (2):

All of Us Research Program, National Institutes of Health
Classification: Uncertain significance for Breast-ovarian cancer, familial, susceptibility to, 2. Last evaluated: 2023-05-04. Review status: criteria provided, single submitter. Criteria: ACMG Guidelines, 2015. Collection method: clinical testing. Allele origin: germline. Inheritance: Autosomal dominant inheritance. Observed: 1 variant allele, 1 heterozygote.
Comment: This missense variant replaces arginine with lysine at codon 212 of the BRCA2 protein. Computational prediction suggests that this variant may not impact protein structure and function (internally defined REVEL score threshold <= 0.5, PMID: 27666373). To our knowledge, functional studies have not been reported for this variant. This variant has not been reported in individuals affected with hereditary cancer in the literature. This variant has not been identified in the general population by the Genome Aggregation Database (gnomAD). The available evidence is insufficient to determine the role of this variant in disease conclusively. Therefore, this variant is classified as a Variant of Uncertain Significance.

This study involves interpretation of variants in research participants for the purpose of population health screening. Participant phenotype was not available at the time of variant classification. Additional details can be found in publication PMID: 35346344, PMCID: PMC8962531

Labcorp Genetics (formerly Invitae), Labcorp
Classification: Uncertain significance for Hereditary breast ovarian cancer syndrome. Last evaluated: 2021-06-21. Review status: criteria provided, single submitter. Criteria: Invitae Variant Classification Sherloc (09022015). Collection method: clinical testing. Allele origin: germline.
Comment: This variant has not been reported in the literature in individuals with BRCA2-related conditions. In summary, the available evidence is currently insufficient to determine the role of this variant in disease. Therefore, it has been classified as a Variant of Uncertain Significance. Advanced modeling of protein sequence and biophysical properties (such as structural, functional, and spatial information, amino acid conservation, physicochemical variation, residue mobility, and thermodynamic stability) performed at Invitae indicates that this missense variant is not expected to disrupt BRCA2 protein function. This variant is not present in population databases (ExAC no frequency). This sequence change replaces arginine with lysine at codon 212 of the BRCA2 protein (p.Arg212Lys). The arginine residue is moderately conserved and there is a small physicochemical difference between arginine and lysine.

NM_000059.4(BRCA2):c.635G>A (p.Arg212Lys)

Gene: BRCA2 (BRCA2 DNA repair associated; plus strand). Cytogenetic location: 13q13.1.
Variant type: single nucleotide variant.
Coding change: c.635G>A on transcript NM_000059.4 (MANE Select); coding-DNA position 635, G replaced by A.
Protein change: p.Arg212Lys; replaces arginine 212 with lysine.
Molecular consequence: missense variant.
Genome position (GRCh38, 1-based): chr13:32,329,446, G>A. VCF-style: chr13-32329446-G-A. GRCh37 (hg19) VCF-style: chr13-32903583-G-A.
Other names: short protein forms R212K.
Identifiers: ClinVar variation 1500495 (VCV001500495.9), dbSNP rs2137458140, ClinGen allele CA387759356.